The following is an entry in ClinVar:

NM_001042492.3(NF1):c.6825del (p.Glu2276fs)

Gene: NF1 (neurofibromin 1; plus strand). Cytogenetic location: 17q11.2.
Variant type: Deletion.
Coding change: c.6825del on transcript NM_001042492.3 (MANE Select); coding-DNA position 6825, one base deleted (T; older notation c.6825delT).
Protein change: p.Glu2276fs; shifts the reading frame from glutamic acid 2276.
Molecular consequence: frameshift variant.
Genome position (GRCh38, 1-based): chr17:31,338,709, T deleted; the last of 2 consecutive T bases (chr17:31,338,708-31,338,709); deleting either gives the same sequence. VCF-style (leftmost placement, unchanged base first): chr17-31338707-CT-C. GRCh37 (hg19) VCF-style: chr17-29665725-CT-C.
Other names: c.6762del, p.Glu2255fs (NM_000267.4); short protein forms E2276fs, E2255fs.
Identifiers: ClinVar variation 4735892 (VCV004735892.2).
Genomic context (GRCh38, chr17:31,338,707, plus strand): 5'-AGGAGTTAATGTTTTATTTCAATGAAAGTAAAATAAAAAATTCTGTTTTCCTAAAAGGCA[CT>C]TGAGAGTTGCTTAAAAGGACCTGACACTTACAACAGTCAAGTTCTGATAGAAGCTACAGT-3'

ClinVar aggregate classification (germline): Pathogenic. Review status: criteria provided, multiple submitters, no conflicts (2 of 4 stars). 2 submissions from 2 submitters: Pathogenic (2). Last evaluated 2026-08-11.

Conditions:
Neurofibromatosis, type 1 (NF1). Also called: NEUROFIBROMATOSIS, TYPE I, SOMATIC; Peripheral type neurofibromatosis; Neurofibromatosis, type I; VON RECKLINGHAUSEN DISEASE. Identifiers: Orphanet 636, MedGen C0027831, MONDO:0018975, OMIM 162200. Disease mechanism: loss of function.

Submissions (2):

Institute of Medical Genetics and Applied Genomics, University Hospital Tübingen
Classification: Pathogenic for Neurofibromatosis, type 1. Last evaluated: 2026-08-11. Review status: criteria provided, single submitter. Criteria: ACMG Guidelines, 2015. Collection method: clinical testing. Allele origin: germline. Inheritance: Autosomal dominant inheritance. Affected: yes.

Labcorp Genetics (formerly Invitae), Labcorp
Classification: Pathogenic for Neurofibromatosis, type 1. Last evaluated: 2026-01-21. Review status: criteria provided, single submitter. Criteria: Invitae Variant Classification Sherloc (09022015). Collection method: clinical testing. Allele origin: germline.
Comment: This sequence change creates a premature translational stop signal (p.Glu2255Argfs*4) in the NF1 gene. It is expected to result in an absent or disrupted protein product. Loss-of-function variants in NF1 are known to be pathogenic (PMID: 10712197, 23913538). This variant is not present in population databases (gnomAD no frequency). This variant has not been reported in the literature in individuals affected with NF1-related conditions. For these reasons, this variant has been classified as Pathogenic.

Literature cited by the submitters: PubMed 10712197 (cited by Labcorp Genetics (formerly Invitae), Labcorp); PubMed 23913538 (cited by Labcorp Genetics (formerly Invitae), Labcorp).